The following is an entry in ClinVar:

ClinVar aggregate classification (germline): Uncertain significance. Review status: criteria provided, multiple submitters, no conflicts (2 of 4 stars). 2 submissions from 2 submitters: Uncertain significance (2). Last evaluated 2026-01-26.

Conditions:
Intellectual developmental disorder, autosomal dominant 1. Also called: MBD5 Haploinsufficiency; Intellectual disability, autosomal dominant 1. Identifiers: Orphanet 228402, MedGen C1969562, MONDO:0007974, OMIM 156200.

Submissions (2):

Labcorp Genetics (formerly Invitae), Labcorp
Classification: Uncertain significance for Intellectual developmental disorder, autosomal dominant 1. Last evaluated: 2026-01-26. Review status: criteria provided, single submitter. Criteria: Invitae Variant Classification Sherloc (09022015). Collection method: clinical testing. Allele origin: germline.
Comment: This sequence change replaces serine, which is neutral and polar, with isoleucine, which is neutral and non-polar, at codon 709 of the MBD5 protein (p.Ser709Ile). This variant is not present in population databases (gnomAD no frequency). This variant has not been reported in the literature in individuals affected with MBD5-related conditions. ClinVar contains an entry for this variant (Variation ID: 3361196). Invitae Evidence Modeling of protein sequence and biophysical properties (such as structural, functional, and spatial information, amino acid conservation, physicochemical variation, residue mobility, and thermodynamic stability) has been performed for this missense variant. However, the output from this modeling did not meet the statistical confidence thresholds required to predict the impact of this variant on MBD5 protein function. In summary, the available evidence is currently insufficient to determine the role of this variant in disease. Therefore, it has been classified as a Variant of Uncertain Significance.

GeneDx
Classification: Uncertain significance. Last evaluated: 2023-07-24. Review status: criteria provided, single submitter. Criteria: GeneDx Variant Classification Process June 2021. Collection method: clinical testing. Allele origin: germline. Affected: yes.
Comment: Not observed at significant frequency in large population cohorts (gnomAD); In silico analysis supports that this missense variant does not alter protein structure/function; Has not been previously published as pathogenic or benign to our knowledge

NM_001378120.1(MBD5):c.2126G>T (p.Ser709Ile)

Gene: MBD5 (methyl-CpG binding domain protein 5; plus strand). Cytogenetic location: 2q23.1.
Variant type: single nucleotide variant.
Coding change: c.2126G>T on transcript NM_001378120.1 (MANE Select); coding-DNA position 2126, G replaced by T.
Protein change: p.Ser709Ile; replaces serine 709 with isoleucine.
Molecular consequence: missense variant.
Genome position (GRCh38, 1-based): chr2:148,470,069, G>T. VCF-style: chr2-148470069-G-T. GRCh37 (hg19) VCF-style: chr2-149227638-G-T.
Other names: c.2126G>T, p.Ser709Ile (NM_018328.5); short protein forms S709I.
Identifiers: ClinVar variation 3361196 (VCV003361196.2).